The following is an entry in ClinVar:

NM_032383.5(HPS3):c.2730dup (p.Leu911fs)

Genes: CP (ceruloplasmin; minus strand), HPS3 (HPS3 biogenesis of lysosomal organelles complex 2 subunit 1; plus strand). Cytogenetic location: 3q24.
Variant type: Duplication.
Coding change: c.2730dup on transcript NM_032383.5 (MANE Select); coding-DNA position 2730, one base duplicated (A; older notation c.2730dupA).
Protein change: p.Leu911fs; shifts the reading frame from leucine 911.
Molecular consequence: frameshift variant.
Genome position (GRCh38, 1-based): chr3:149,167,174, A duplicated. VCF-style (leftmost placement, unchanged base first): chr3-149167173-T-TA. GRCh37 (hg19) VCF-style: chr3-148884960-T-TA.
Other names: c.2235dup, p.Leu746fs (NM_001308258.2); short protein forms L746fs, L911fs.
Identifiers: ClinVar variation 5014472 (VCV005014472.1).

ClinVar aggregate classification (germline): Pathogenic (1 of 4 stars; one submission).

Conditions:
Hermansky-Pudlak syndrome 3 (HPS3). Identifiers: Orphanet 231512, Orphanet 79430, MedGen C3888001, MONDO:0013555, OMIM 614072.

Submission:

Myriad Genetics, Inc.
Classification: Pathogenic for Hermansky-Pudlak syndrome 3. Last evaluated: 2025-05-18. Review status: criteria provided, single submitter. Criteria: Myriad Autosomal Dominant, Autosomal Recessive and X-Linked Classification Criteria (2023). Collection method: clinical testing. Allele origin: unknown.
Comment: NM_032383.3(HPS3):c.2730dupA(L911Tfs*14) is expected to be pathogenic in the context of Hermansky-Pudlak syndrome, HPS3-related. This variant is predicted to lead to an abnormal or absent protein product due to the creation of a premature termination codon in HPS3, a gene where loss-of-function variants are known to be pathogenic. Please note: this variant was assessed in the context of healthy population screening.